The following is an entry in ClinVar:

NM_001370259.2(MEN1):c.1426C>T (p.Arg476Trp)

Gene: MEN1 (menin 1; minus strand). Cytogenetic location: 11q13.1.
Variant type: single nucleotide variant.
Coding change: c.1426C>T on transcript NM_001370259.2 (MANE Select); coding-DNA position 1426, C replaced by T.
Protein change: p.Arg476Trp; replaces arginine 476 with tryptophan.
Molecular consequence: missense variant.
Genome position (GRCh38, 1-based): chr11:64,804,741, G>A on the plus strand (C>T on the coding strand, the complement: MEN1 is on the minus strand). VCF-style: chr11-64804741-G-A. GRCh37 (hg19) VCF-style: chr11-64572213-G-A.
Other names: c.1441C>T, p.Arg481Trp (NM_000244.4, NM_130800.3, NM_130801.3 and 3 more transcripts); c.1552C>T, p.Arg518Trp (NM_001370251.2); c.1426C>T, p.Arg476Trp (NM_001370260.2, NM_130799.3, NM_001370261.2); c.1321C>T, p.Arg441Trp (NM_001370262.2, NM_001370263.2); c.1426C>T (NM_130799.2); short protein forms R441W, R476W, R481W, R518W.
Identifiers: ClinVar variation 1017024 (VCV001017024.8), dbSNP rs1941554063, ClinGen allele CA381179385.

ClinVar aggregate classification (germline): Conflicting classifications of pathogenicity. Review status: criteria provided, conflicting classifications (1 of 4 stars). 3 submissions from 3 submitters: Uncertain significance (2); Likely benign (1). Last evaluated 2025-07-07.

Conditions:
Multiple endocrine neoplasia, type 1 (MEN1). Also called: MEN I; WERMER SYNDROME; Endocrine adenomatosis multiple; MEN 1; MEA I. Identifiers: Orphanet 652, MedGen C0025267, MeSH D018761, MONDO:0007540, OMIM 131100.
Hereditary cancer-predisposing syndrome. Also called: Tumor predisposition; Hereditary Cancer Syndrome; Neoplastic Syndromes, Hereditary; Hereditary neoplastic syndrome. Identifiers: Orphanet 140162, MedGen C0027672, MeSH D009386, MONDO:0015356.

Submissions (3):

Labcorp Genetics (formerly Invitae), Labcorp
Classification: Likely benign for Multiple endocrine neoplasia, type 1. Last evaluated: 2025-07-07. Review status: criteria provided, single submitter. Criteria: Invitae Variant Classification Sherloc (09022015). Collection method: clinical testing. Allele origin: germline.

Ambry Genetics
Classification: Uncertain significance for Hereditary cancer-predisposing syndrome. Last evaluated: 2025-03-17. Review status: criteria provided, single submitter. Criteria: Ambry Variant Classification Scheme 2023. Collection method: clinical testing. Allele origin: germline.
Comment: The p.R476W variant (also known as c.1426C>T), located in coding exon 9 of the MEN1 gene, results from a C to T substitution at nucleotide position 1426. The arginine at codon 476 is replaced by tryptophan, an amino acid with dissimilar properties. This amino acid position is highly conserved in available vertebrate species. In addition, this alteration is predicted to be deleterious by in silico analysis. Based on the available evidence, the clinical significance of this variant remains unclear.

GeneDx
Classification: Uncertain significance. Last evaluated: 2023-07-03. Review status: criteria provided, single submitter. Criteria: GeneDx Variant Classification Process June 2021. Collection method: clinical testing. Allele origin: germline. Affected: yes.
Comment: Not observed at significant frequency in large population cohorts (gnomAD); In silico analysis supports that this missense variant has a deleterious effect on protein structure/function; Has not been previously published as pathogenic or benign to our knowledge